The following is an entry in ClinVar:

NM_152598.4(MARCHF10):c.1247A>G (p.Asn416Ser)

Genes: MARCHF10 (membrane associated ring-CH-type finger 10; minus strand), MARCHF10-AS1 (MARCHF10 antisense RNA 1; plus strand). Cytogenetic location: 17q23.2.
Variant type: single nucleotide variant.
Coding change: c.1247A>G on transcript NM_152598.4 (MANE Select); coding-DNA position 1247, A replaced by G.
Protein change: p.Asn416Ser; replaces asparagine 416 with serine.
Molecular consequence: missense variant. On other transcripts: non-coding transcript variant (1).
Genome position (GRCh38, 1-based): chr17:62,736,621, T>C on the plus strand (A>G on the coding strand, the complement: MARCHF10 is on the minus strand). VCF-style: chr17-62736621-T-C. GRCh37 (hg19) VCF-style: chr17-60813982-T-C.
Other names: NC_000017.10:g.60813982T>C; c.1247A>G, p.Asn416Ser (NM_001100875.3); c.1361A>G, p.Asn454Ser (NM_001288779.2); c.1244A>G, p.Asn415Ser (NM_001288780.2); short protein forms N415S, N416S, N454S.
Identifiers: ClinVar variation 3034061 (VCV003034061.3), dbSNP rs138015683, ClinGen allele CA8696828.

ClinVar aggregate classification (germline): Benign (0 of 4 stars; one submission).

Conditions:
MARCHF10-related disorder. Also called: MARCHF10-related condition.

Allele frequency attached by ClinVar (database versions not stated): gnomAD exomes 0.00032; 1000 Genomes Project 0.00260; 1000 Genomes Project 30x 0.00281; TOPMed 0.00354; ESP Exome Variant Server 0.00308; ExAC 0.00103; gnomAD 0.00322.
gnomAD v4.1: 972 of 1,614,190 alleles (0.06%); highest among the groups gnomAD compares: African/African-American, 1.2%; 8 homozygotes.

Submissions (2):

PreventionGenetics, part of Exact Sciences
Classification: Benign for MARCHF10-related condition. Last evaluated: 2019-11-12. Review status: no assertion criteria provided. Collection method: clinical testing. Allele origin: germline.
Comment: This variant is classified as benign based on ACMG/AMP sequence variant interpretation guidelines (Richards et al. 2015 PMID: 25741868, with internal and published modifications).

Dr. Peter K. Rogan Lab, Western University
No classification provided (evidence only). Condition: Malignant tumor of urinary bladder. Review status: no classification provided. Collection method: in vitro. Allele origin: not applicable. Functional consequence: retained intron. Not counted in ClinVar's aggregate classification.